The following is an entry in ClinVar:

ClinVar aggregate classification (germline): Uncertain significance. Review status: criteria provided, multiple submitters, no conflicts (2 of 4 stars). 2 submissions from 2 submitters: Uncertain significance (2). Last evaluated 2025-05-27.

Allele frequency attached by ClinVar (database versions not stated): TOPMed below 0.00001; gnomAD 0.00001.
gnomAD v4.1: 2 of 1,613,248 alleles (0.00012%); highest among the groups gnomAD compares: South Asian, 0.0011%; no homozygotes.

Submissions (2):

Labcorp Genetics (formerly Invitae), Labcorp
Classification: Uncertain significance. Last evaluated: 2025-05-27. Review status: criteria provided, single submitter. Criteria: Invitae Variant Classification Sherloc (09022015). Collection method: clinical testing. Allele origin: germline.
Comment: This sequence change replaces leucine, which is neutral and non-polar, with valine, which is neutral and non-polar, at codon 24 of the A2ML1 protein (p.Leu24Val). This variant is not present in population databases (gnomAD no frequency). This variant has not been reported in the literature in individuals affected with A2ML1-related conditions. ClinVar contains an entry for this variant (Variation ID: 1412250). An algorithm developed to predict the effect of missense changes on protein structure and function (PolyPhen-2) suggests that this variant is likely to be tolerated. In summary, the available evidence is currently insufficient to determine the role of this variant in disease. Therefore, it has been classified as a Variant of Uncertain Significance.

Ambry Genetics
Classification: Uncertain significance. Last evaluated: 2024-01-11. Review status: criteria provided, single submitter. Criteria: Ambry Variant Classification Scheme 2023. Collection method: clinical testing. Allele origin: germline.
Comment: The p.L24V variant (also known as c.70C>G), located in coding exon 2 of the A2ML1 gene, results from a C to G substitution at nucleotide position 70. The leucine at codon 24 is replaced by valine, an amino acid with highly similar properties. This amino acid position is conserved. In addition, this alteration is predicted to be tolerated by in silico analysis. Since supporting evidence is limited at this time, the clinical significance of this alteration remains unclear.

NM_144670.6(A2ML1):c.70C>G (p.Leu24Val)

Genes: A2ML1 (alpha-2-macroglobulin like 1; plus strand), A2ML1-AS1 (A2ML1 antisense RNA 1; minus strand). Cytogenetic location: 12p13.31.
Variant type: single nucleotide variant.
Coding change: c.70C>G on transcript NM_144670.6 (MANE Select); coding-DNA position 70, C replaced by G.
Protein change: p.Leu24Val; replaces leucine 24 with valine.
Molecular consequence: missense variant.
Genome position (GRCh38, 1-based): chr12:8,823,189, C>G. VCF-style: chr12-8823189-C-G. GRCh37 (hg19) VCF-style: chr12-8975785-C-G.
Other names: short protein forms L24V.
Identifiers: ClinVar variation 1412250 (VCV001412250.8), dbSNP rs1185230247, ClinGen allele CA383817508.